The following is an entry in ClinVar:

NM_014915.3(ANKRD26):c.232A>C (p.Lys78Gln)

Gene: ANKRD26 (ankyrin repeat domain 26; minus strand). Cytogenetic location: 10p12.1.
Variant type: single nucleotide variant.
Coding change: c.232A>C on transcript NM_014915.3 (MANE Select); coding-DNA position 232, A replaced by C.
Protein change: p.Lys78Gln; replaces lysine 78 with glutamine.
Molecular consequence: missense variant.
Genome position (GRCh38, 1-based): chr10:27,100,095, T>G on the plus strand (A>C on the coding strand, the complement: ANKRD26 is on the minus strand). VCF-style: chr10-27100095-T-G. GRCh37 (hg19) VCF-style: chr10-27389024-T-G.
Other names: c.232A>C, p.Lys78Gln (NM_001256053.2); short protein forms K78Q.
Identifiers: ClinVar variation 5022990 (VCV005022990.1).

ClinVar aggregate classification (germline): Uncertain significance (1 of 4 stars; one submission).

Conditions:
Inborn genetic diseases. Identifiers: MedGen C0950123, MeSH D030342.

Submission:

Ambry Genetics
Classification: Uncertain significance for Inborn genetic diseases. Last evaluated: 2026-07-11. Review status: criteria provided, single submitter. Criteria: Ambry Variant Classification Scheme 2023. Collection method: clinical testing. Allele origin: germline.
Comment: The p.K78Q variant (also known as c.232A>C), located in coding exon 1 of the ANKRD26 gene, results from an A to C substitution at nucleotide position 232. The lysine at codon 78 is replaced by glutamine, an amino acid with similar properties. This amino acid position is conserved. In addition, this alteration is predicted to be tolerated by in silico analysis. Based on the available evidence, the clinical significance of this variant remains unclear.